The following is an entry in ClinVar:

NM_001292063.2(OTOG):c.2007G>A (p.Trp669Ter)

Gene: OTOG (otogelin; plus strand). Cytogenetic location: 11p15.1.
Variant type: single nucleotide variant.
Coding change: c.2007G>A on transcript NM_001292063.2 (MANE Select); coding-DNA position 2007, G replaced by A.
Protein change: p.Trp669Ter; replaces tryptophan 669 with a stop codon.
Molecular consequence: nonsense.
Genome position (GRCh38, 1-based): chr11:17,572,131, G>A. VCF-style: chr11-17572131-G-A. GRCh37 (hg19) VCF-style: chr11-17593678-G-A.
Other names: c.2043G>A, p.Trp681Ter (NM_001277269.2); short protein forms W669*, W681*.
Identifiers: ClinVar variation 3612651 (VCV003612651.3).

ClinVar aggregate classification (germline): Pathogenic/Likely pathogenic. Review status: criteria provided, multiple submitters, no conflicts (2 of 4 stars). 2 submissions from 2 submitters: Pathogenic (1); Likely pathogenic (1). Last evaluated 2025-01-17.

Conditions:
OTOG-related disorder. Also called: OTOG-related condition.

gnomAD v4.1: 4 of 1,550,468 alleles (0.00026%); highest among the groups gnomAD compares: Admixed American, 0.0039%; no homozygotes.

Submissions (2):

Labcorp Genetics (formerly Invitae), Labcorp
Classification: Pathogenic. Last evaluated: 2025-01-17. Review status: criteria provided, single submitter. Criteria: Invitae Variant Classification Sherloc (09022015). Collection method: clinical testing. Allele origin: germline.
Comment: This sequence change creates a premature translational stop signal (p.Trp681*) in the OTOG gene. It is expected to result in an absent or disrupted protein product. Loss-of-function variants in OTOG are known to be pathogenic (PMID: 23122587). This variant is present in population databases (no rsID available, gnomAD 0.008%). This variant has not been reported in the literature in individuals affected with OTOG-related conditions. For these reasons, this variant has been classified as Pathogenic.

Blueprint Genetics
Classification: Likely pathogenic for OTOG-related disorders. Last evaluated: 2021-10-12. Review status: criteria provided, single submitter. Criteria: ACMG Guidelines, 2015. Collection method: clinical testing. Allele origin: germline. Affected: yes. Observed: 2 variant alleles.

Literature cited by the submitters: PubMed 23122587 (cited by Labcorp Genetics (formerly Invitae), Labcorp).